The following is an entry in ClinVar:

NM_001287.6(CLCN7):c.847A>G (p.Thr283Ala)

Gene: CLCN7 (chloride voltage-gated channel 7; minus strand). Cytogenetic location: 16p13.3.
Variant type: single nucleotide variant.
Coding change: c.847A>G on transcript NM_001287.6 (MANE Select); coding-DNA position 847, A replaced by G.
Protein change: p.Thr283Ala; replaces threonine 283 with alanine.
Molecular consequence: missense variant.
Genome position (GRCh38, 1-based): chr16:1,456,182, T>C on the plus strand (A>G on the coding strand, the complement: CLCN7 is on the minus strand). VCF-style: chr16-1456182-T-C. GRCh37 (hg19) VCF-style: chr16-1506183-T-C.
Other names: c.775A>G, p.Thr259Ala (NM_001114331.3); short protein forms T259A, T283A.
Identifiers: ClinVar variation 2000544 (VCV002000544.4), dbSNP rs2505833543, ClinGen allele CA394190427.

ClinVar aggregate classification (germline): Uncertain significance (1 of 4 stars; one submission).

Submission:

Labcorp Genetics (formerly Invitae), Labcorp
Classification: Uncertain significance. Last evaluated: 2022-05-29. Review status: criteria provided, single submitter. Criteria: Invitae Variant Classification Sherloc (09022015). Collection method: clinical testing. Allele origin: germline.
Comment: In summary, the available evidence is currently insufficient to determine the role of this variant in disease. Therefore, it has been classified as a Variant of Uncertain Significance. Advanced modeling of protein sequence and biophysical properties (such as structural, functional, and spatial information, amino acid conservation, physicochemical variation, residue mobility, and thermodynamic stability) performed at Invitae indicates that this missense variant is not expected to disrupt CLCN7 protein function. This variant has not been reported in the literature in individuals affected with CLCN7-related conditions. This variant is not present in population databases (gnomAD no frequency). This sequence change replaces threonine, which is neutral and polar, with alanine, which is neutral and non-polar, at codon 283 of the CLCN7 protein (p.Thr283Ala).